The following is an entry in ClinVar:

ClinVar aggregate classification (germline): Uncertain significance. Review status: criteria provided, multiple submitters, no conflicts (2 of 4 stars). 2 submissions from 2 submitters: Uncertain significance (2). Last evaluated 2025-06-10.

Conditions:
Inborn genetic diseases. Identifiers: MedGen C0950123, MeSH D030342.

Allele frequency attached by ClinVar (database versions not stated): ExAC 0.00003; gnomAD 0.00001.

Submissions (2):

Ambry Genetics
Classification: Uncertain significance for Inborn genetic diseases. Last evaluated: 2025-06-10. Review status: criteria provided, single submitter. Criteria: Ambry Variant Classification Scheme 2023. Collection method: clinical testing. Allele origin: germline.

Labcorp Genetics (formerly Invitae), Labcorp
Classification: Uncertain significance. Last evaluated: 2024-05-31. Review status: criteria provided, single submitter. Criteria: Invitae Variant Classification Sherloc (09022015). Collection method: clinical testing. Allele origin: germline.
Comment: This sequence change replaces alanine, which is neutral and non-polar, with proline, which is neutral and non-polar, at codon 367 of the PAX1 protein (p.Ala367Pro). This variant is present in population databases (rs772164272, gnomAD 0.01%). This variant has not been reported in the literature in individuals affected with PAX1-related conditions. ClinVar contains an entry for this variant (Variation ID: 2175819). Advanced modeling of protein sequence and biophysical properties (such as structural, functional, and spatial information, amino acid conservation, physicochemical variation, residue mobility, and thermodynamic stability) performed at Invitae indicates that this missense variant is not expected to disrupt PAX1 protein function with a negative predictive value of 80%. In summary, the available evidence is currently insufficient to determine the role of this variant in disease. Therefore, it has been classified as a Variant of Uncertain Significance.

NM_001257096.2(PAX1):c.1099G>C (p.Ala367Pro)

Gene: PAX1 (paired box 1; plus strand). Cytogenetic location: 20p11.22.
Variant type: single nucleotide variant.
Coding change: c.1099G>C on transcript NM_001257096.2 (MANE Select); coding-DNA position 1099, G replaced by C.
Protein change: p.Ala367Pro; replaces alanine 367 with proline.
Molecular consequence: missense variant.
Genome position (GRCh38, 1-based): chr20:21,709,261, G>C. VCF-style: chr20-21709261-G-C. GRCh37 (hg19) VCF-style: chr20-21689899-G-C.
Other names: c.1099G>C, p.Ala367Pro (NM_006192.5); c.1099G>C (NM_006192.3); short protein forms A367P.
Identifiers: ClinVar variation 2175819 (VCV002175819.4), dbSNP rs772164272, ClinGen allele CA9786680.